The following is an entry in ClinVar:

NM_018896.5(CACNA1G):c.3026G>A (p.Ser1009Asn)

Gene: CACNA1G (calcium voltage-gated channel subunit alpha1 G; plus strand). Cytogenetic location: 17q21.33.
Variant type: single nucleotide variant.
Coding change: c.3026G>A on transcript NM_018896.5 (MANE Select); coding-DNA position 3026, G replaced by A.
Protein change: p.Ser1009Asn; replaces serine 1009 with asparagine.
Molecular consequence: missense variant. On other transcripts: non-coding transcript variant (5).
Genome position (GRCh38, 1-based): chr17:50,596,608, G>A. VCF-style: chr17-50596608-G-A. GRCh37 (hg19) VCF-style: chr17-48673969-G-A.
Other names: c.3026G>A, p.Ser1009Asn (NM_001256324.2, NM_001256325.2, NM_001256326.2 and 16 more transcripts); c.2957G>A, p.Ser986Asn (NM_001256332.2, NM_198376.3, NM_198379.3 and 5 more transcripts); short protein forms S1009N, S986N.
Identifiers: ClinVar variation 3371656 (VCV003371656.1).

ClinVar aggregate classification (germline): Uncertain significance (1 of 4 stars; one submission).

gnomAD v4.1: 1 of 1,613,964 alleles (0.000062%); highest among the groups gnomAD compares: Non-Finnish European, 0.000085%; no homozygotes.

Submission:

GeneDx
Classification: Uncertain significance. Last evaluated: 2024-03-26. Review status: criteria provided, single submitter. Criteria: GeneDx Variant Classification Process June 2021. Collection method: clinical testing. Allele origin: germline. Affected: yes.
Comment: Not observed at significant frequency in large population cohorts (gnomAD); In silico analysis supports that this missense variant does not alter protein structure/function; Has not been previously published as pathogenic or benign to our knowledge